The following is an entry in ClinVar:

ClinVar aggregate classification (germline): Uncertain significance (1 of 4 stars; one submission).

Submission:

Dasa
Classification: Uncertain significance. Last evaluated: 2025-11-11. Review status: criteria provided, single submitter. Criteria: DASA Assertion Criteria. Collection method: clinical testing. Allele origin: germline.
Comment: NM_017780.4(CHD7):c.4185+311G>C is an intronic variant. This variant is absent from population databases. The currently available literature and clinical evidence are not sufficient to establish a definitive association between this variant and the reported condition. Therefore, this variant is classified as a variant of uncertain significance.

NM_017780.4(CHD7):c.4185+311G>C

Gene: CHD7 (chromodomain helicase DNA binding protein 7; plus strand). Cytogenetic location: 8q12.2.
Variant type: single nucleotide variant.
Coding change: c.4185+311G>C on transcript NM_017780.4 (MANE Select); 311 bases into the intron after coding-DNA position 4185, G replaced by C.
Molecular consequence: intron variant.
Genome position (GRCh38, 1-based): chr8:60,837,323, G>C. VCF-style: chr8-60837323-G-C. GRCh37 (hg19) VCF-style: chr8-61749882-G-C.
Other names: c.1717-24906G>C (NM_001316690.1).
Identifiers: ClinVar variation 4881431 (VCV004881431.2).